The following is an entry in ClinVar:

NM_001966.4(EHHADH):c.1743A>T (p.Gln581His)

Gene: EHHADH (enoyl-CoA hydratase and 3-hydroxyacyl CoA dehydrogenase; minus strand). Cytogenetic location: 3q27.2.
Variant type: single nucleotide variant.
Coding change: c.1743A>T on transcript NM_001966.4 (MANE Select); coding-DNA position 1743, A replaced by T.
Protein change: p.Gln581His; replaces glutamine 581 with histidine.
Molecular consequence: missense variant.
Genome position (GRCh38, 1-based): chr3:185,192,655, T>A on the plus strand (A>T on the coding strand, the complement: EHHADH is on the minus strand). VCF-style: chr3-185192655-T-A. GRCh37 (hg19) VCF-style: chr3-184910443-T-A.
Other names: c.1455A>T, p.Gln485His (NM_001166415.2); short protein forms Q485H, Q581H.
Identifiers: ClinVar variation 5001114 (VCV005001114.1).

ClinVar aggregate classification (germline): Uncertain significance (1 of 4 stars; one submission).

Conditions:
EHHADH-related disorder. Also called: EHHADH-related condition.

Submission:

PreventionGenetics, part of Exact Sciences
Classification: Uncertain significance for EHHADH-related condition. Last evaluated: 2026-03-12. Review status: criteria provided, single submitter. Criteria: ACMG Guidelines, 2015. Collection method: clinical testing. Allele origin: germline.
Comment: The EHHADH c.1743A>T variant is predicted to result in the amino acid substitution p.Gln581His. To our knowledge, this variant has not been reported in the literature or in a large population database (gnomAD), indicating this variant is rare. At this time, the clinical significance of this variant is uncertain due to the absence of conclusive functional and genetic evidence.